The following is an entry in ClinVar:

NM_000535.7(PMS2):c.1538G>A (p.Ser513Asn)

Gene: PMS2 (PMS1 homolog 2, mismatch repair system component; minus strand). Cytogenetic location: 7p22.1.
Variant type: single nucleotide variant.
Coding change: c.1538G>A on transcript NM_000535.7 (MANE Select); coding-DNA position 1538, G replaced by A.
Protein change: p.Ser513Asn; replaces serine 513 with asparagine.
Molecular consequence: missense variant. On other transcripts: non-coding transcript variant (1), intron variant (1).
Genome position (GRCh38, 1-based): chr7:5,987,227, C>T on the plus strand (G>A on the coding strand, the complement: PMS2 is on the minus strand). VCF-style: chr7-5987227-C-T. GRCh37 (hg19) VCF-style: chr7-6026858-C-T.
Other names: c.1220G>A, p.Ser407Asn (NM_001322008.2, NM_001406883.1, NM_001322007.2 and 2 more transcripts); c.1133G>A, p.Ser378Asn (NM_001322009.2, NM_001406887.1, NM_001406897.1 and 16 more transcripts); c.977G>A, p.Ser326Asn (NM_001322010.2, NM_001406907.1, NM_001406906.1); c.605G>A, p.Ser202Asn (NM_001322011.2, NM_001322012.2); c.965G>A, p.Ser322Asn (NM_001322013.2, NM_001406909.1); c.1538G>A, p.Ser513Asn (NM_001322014.2, NM_001406871.1, NM_001406872.1); c.1229G>A, p.Ser410Asn (NM_001322015.2, NM_001406878.1, NM_001406879.1 and 5 more transcripts); c.1724G>A, p.Ser575Asn (NM_001406866.1); and 13 more; short protein forms S202N, S256N, S405N, S477N, S513N, S521N, S322N, S358N.
Identifiers: ClinVar variation 3664590 (VCV003664590.2).

ClinVar aggregate classification (germline): Uncertain significance (1 of 4 stars; one submission).

Conditions:
Hereditary nonpolyposis colorectal neoplasms. Identifiers: MedGen C0009405, MeSH D003123.

Submission:

Labcorp Genetics (formerly Invitae), Labcorp
Classification: Uncertain significance for Hereditary nonpolyposis colorectal neoplasms. Last evaluated: 2025-01-12. Review status: criteria provided, single submitter. Criteria: Invitae Variant Classification Sherloc (09022015). Collection method: clinical testing. Allele origin: germline.
Comment: This sequence change replaces serine, which is neutral and polar, with asparagine, which is neutral and polar, at codon 513 of the PMS2 protein (p.Ser513Asn). This variant is not present in population databases (gnomAD no frequency). This variant has not been reported in the literature in individuals affected with PMS2-related conditions. Invitae Evidence Modeling incorporating data from in vitro experimental studies (internal data) indicates that this missense variant is not expected to disrupt PMS2 function with a negative predictive value of 95%. In summary, the available evidence is currently insufficient to determine the role of this variant in disease. Therefore, it has been classified as a Variant of Uncertain Significance.